The following is an entry in ClinVar:

NM_000071.3(CBS):c.1321A>T (p.Lys441Ter)

Gene: CBS (cystathionine beta-synthase; minus strand). Cytogenetic location: 21q22.3.
Variant type: single nucleotide variant.
Coding change: c.1321A>T on transcript NM_000071.3 (MANE Select); coding-DNA position 1321, A replaced by T.
Protein change: p.Lys441Ter; replaces lysine 441 with a stop codon.
Molecular consequence: nonsense.
Genome position (GRCh38, 1-based): chr21:43,058,871, T>A on the plus strand (A>T on the coding strand, the complement: CBS is on the minus strand). VCF-style: chr21-43058871-T-A. GRCh37 (hg19) VCF-style: chr21-44478981-T-A.
Other names: c.1321A>T, p.Lys441Ter (NM_001178008.3, NM_001178009.3, NM_001320298.2); c.1006A>T, p.Lys336Ter (NM_001321072.1); short protein forms K441*, K336*.
Identifiers: ClinVar variation 370634 (VCV000370634.5), dbSNP rs1057516645, ClinGen allele CA16041996.
Genomic context (GRCh38, chr21:43,058,871, plus strand): 5'-TCTGAGCAGGGGCTGAGACTGACCCCGCCTCATCCACCACGGGCGCCTGGTCGAAGCCCT[T>A]CTCCCGGAGGATCTCGATGGTGTGCCCACAGGTGATGGTCGGGAGCACGGTCAGCGGGGC-3'

ClinVar aggregate classification (germline): Pathogenic. Review status: criteria provided, multiple submitters, no conflicts (2 of 4 stars). 3 submissions from 3 submitters: Pathogenic (2). 1 of the submissions does not count toward it. Last evaluated 2024-05-16.

Conditions:
Classic homocystinuria. Also called: Homocystinuria due to CBS deficiency; Cystathionine beta-synthase deficiency; CBS deficiency; HOMOCYSTINURIA WITH OR WITHOUT RESPONSE TO PYRIDOXINE; Homocystinuria due to Cystathionine Beta-Synthase Deficiency. Identifiers: Orphanet 394, MedGen C0751202, MONDO:0009352, OMIM 236200.

Submissions (3):

Natera, Inc.
Classification: Pathogenic for Homocystinuria due to cystathionine beta-synthase deficiency. Last evaluated: 2024-05-16. Review status: criteria provided, single submitter. Criteria: Natera Variant Classification Schema (03/2026). Collection method: clinical testing. Allele origin: germline.
Comment: The c.1321A>T variant in CBS is a nonsense variant predicted to introduce a stop codon at amino acid 441. This variant is expected to result in nonsense mediated decay, truncation, or a dysfunctional protein product. This variant is rare in the general population with a frequency below the threshold expected for the associated phenotype(s). This variant has been observed in one or more individuals affected with the associated recessive disease, as either homozygous or compound heterozygous with a second variant (PMID: 16307898). Additionally, this variant has been observed to segregate in affected family members (PMID: 16307898). Given the available evidence, this variant is classified as Pathogenic.

Baylor Genetics
Classification: Pathogenic for Classic homocystinuria. Last evaluated: 2024-03-22. Review status: criteria provided, single submitter. Criteria: ACMG Guidelines, 2015. Collection method: clinical testing. Allele origin: unknown.

Counsyl
Classification: Likely pathogenic for Classic homocystinuria. Last evaluated: 2016-03-14. Review status: no assertion criteria provided. Collection method: clinical testing. Allele origin: unknown. Not counted in ClinVar's aggregate classification.

Literature cited by the submitters: PubMed 16307898 (cited by Natera, Inc. and Counsyl).